The following is an entry in ClinVar:

NM_000254.3(MTR):c.2171G>C (p.Gly724Ala)

Gene: MTR (5-methyltetrahydrofolate-homocysteine methyltransferase; plus strand). Cytogenetic location: 1q43.
Variant type: single nucleotide variant.
Coding change: c.2171G>C on transcript NM_000254.3 (MANE Select); coding-DNA position 2171, G replaced by C.
Protein change: p.Gly724Ala; replaces glycine 724 with alanine.
Molecular consequence: missense variant. On other transcripts: intron variant (1).
Genome position (GRCh38, 1-based): chr1:236,861,252, G>C. VCF-style: chr1-236861252-G-C. GRCh37 (hg19) VCF-style: chr1-237024552-G-C.
Other names: c.2044-984G>C (NM_001291939.1); c.950G>C, p.Gly317Ala (NM_001291940.2); c.2171G>C (NM_000254.2); short protein forms G724A, G317A.
Identifiers: ClinVar variation 1434052 (VCV001434052.5), dbSNP rs144374509, ClinGen allele CA1474306.

ClinVar aggregate classification (germline): Uncertain significance. Review status: criteria provided, multiple submitters, no conflicts (2 of 4 stars). 2 submissions from 2 submitters: Uncertain significance (2). Last evaluated 2022-06-13.

Conditions:
Inborn genetic diseases. Identifiers: MedGen C0950123, MeSH D030342.
Methylcobalamin deficiency type cblG (HMAG). Also called: HOMOCYSTINURIA-MEGALOBLASTIC ANEMIA, cblG COMPLEMENTATION TYPE; Functional methionine synthase deficiency type cblG; HOMOCYSTINURIA-MEGALOBLASTIC ANEMIA, cblG TYPE; HOMOCYSTINURIA-MEGALOBLASTIC ANEMIA DUE TO DEFECT IN COBALAMIN METABOLISM, cblG COMPLEMENTATION TYPE. Identifiers: Orphanet 2170, Orphanet 622, MedGen C1855128, MONDO:0009609, OMIM 250940.

Allele frequency attached by ClinVar (database versions not stated): gnomAD exomes 0.00001 and 0.00005; gnomAD 0.00003 and 0.00004; ExAC 0.00005; TOPMed 0.00008; ESP Exome Variant Server 0.00015.
gnomAD v4.1: 15 of 1,613,728 alleles (0.00093%); highest among the groups gnomAD compares: African/African-American, 0.016%; no homozygotes.

Submissions (3):

Labcorp Genetics (formerly Invitae), Labcorp
Classification: Uncertain significance for Methylcobalamin deficiency type cblG. Last evaluated: 2022-06-13. Review status: criteria provided, single submitter. Criteria: Invitae Variant Classification Sherloc (09022015). Collection method: clinical testing. Allele origin: germline.
Comment: This sequence change replaces glycine, which is neutral and non-polar, with alanine, which is neutral and non-polar, at codon 724 of the MTR protein (p.Gly724Ala). This variant is present in population databases (rs144374509, gnomAD 0.05%). This variant has not been reported in the literature in individuals affected with MTR-related conditions. Algorithms developed to predict the effect of missense changes on protein structure and function are either unavailable or do not agree on the potential impact of this missense change (SIFT: "Deleterious"; PolyPhen-2: "Probably Damaging"; Align-GVGD: "Class C0"). In summary, the available evidence is currently insufficient to determine the role of this variant in disease. Therefore, it has been classified as a Variant of Uncertain Significance.

Ambry Genetics
Classification: Uncertain significance for Inborn genetic diseases. Last evaluated: 2022-01-04. Review status: criteria provided, single submitter. Criteria: Ambry Variant Classification Scheme 2023. Collection method: clinical testing. Allele origin: germline.

Dr. Peter K. Rogan Lab, Western University
No classification provided (evidence only). Condition: Familial cancer of breast. Review status: no classification provided. Collection method: in vitro. Allele origin: not applicable. Functional consequence: retained intron. Not counted in ClinVar's aggregate classification.